The following is an entry in ClinVar:

NM_014270.5(SLC7A9):c.217G>A (p.Gly73Arg)

Gene: SLC7A9 (solute carrier family 7 member 9; minus strand). Cytogenetic location: 19q13.11.
Variant type: single nucleotide variant.
Coding change: c.217G>A on transcript NM_014270.5 (MANE Select); coding-DNA position 217, G replaced by A.
Protein change: p.Gly73Arg; replaces glycine 73 with arginine.
Molecular consequence: missense variant.
Genome position (GRCh38, 1-based): chr19:32,864,647, C>T on the plus strand (G>A on the coding strand, the complement: SLC7A9 is on the minus strand). VCF-style: chr19-32864647-C-T. GRCh37 (hg19) VCF-style: chr19-33355553-C-T.
Other names: c.217G>A, p.Gly73Arg (NM_001126335.2, NM_001243036.2); c.217G>A (NM_014270.4); short protein forms G73R.
Identifiers: ClinVar variation 2138269 (VCV002138269.10), dbSNP rs138156402, ClinGen allele CA307510692.
Genomic context (GRCh38, chr19:32,864,647, plus strand): 5'-TGCATGCTTCCGGGGCTGCAACAGGCTCCCAAGTCTCTTTACCCAGCGTCGCGAGGACCC[C>T]GCAAGCCGCCCATATGATGAGGCAGGGCCCCACAGCTTCCGTGTTGCTGAGCACAGACTT-3'
Protein context (NP_055085.1, residues 63-83): GPCLIIWAAC[Gly73Arg]VLATLGALCF

ClinVar aggregate classification (germline): Conflicting classifications of pathogenicity. Review status: criteria provided, conflicting classifications (1 of 4 stars). 4 submissions from 4 submitters: Pathogenic (1); Likely pathogenic (2); Uncertain significance (1). Last evaluated 2024-12-16.

Conditions:
Cystinuria (CSNU). Also called: Cystinuria, non-type I; CYSTINURIA, TYPE I; CYSTINURIA, TYPE II; CYSTINURIA, TYPE III. Identifiers: Orphanet 214, MedGen C0010691, MONDO:0009067, OMIM 220100, HP:0003131.
SLC7A9-related disorder. Also called: SLC7A9-related condition.

Allele frequency attached by ClinVar (database versions not stated): ESP Exome Variant Server 0.00015.
gnomAD v4.1: 18 of 1,613,910 alleles (0.0011%); highest among the groups gnomAD compares: East Asian, 0.0022%; no homozygotes.

Submissions (4):

PreventionGenetics, part of Exact Sciences
Classification: Likely pathogenic for SLC7A9-related condition. Last evaluated: 2024-12-16. Review status: criteria provided, single submitter. Criteria: ACMG Guidelines, 2015. Collection method: clinical testing. Allele origin: germline.
Comment: The SLC7A9 c.217G>A variant is predicted to result in the amino acid substitution p.Gly73Arg. This variant was reported in at least two unrelated individuals with cystinuria (Popovska-Jankovic K et al 2012. PubMed ID: 23532419; Case 7 in Jeong et al. 2023. PubMed ID:37893120). In at least one of these reported cases the variant was not found with a second SLC7A9 variant (Jeong et al. 2023. PubMed ID:37893120). At PreventionGenetics, we have observed the c.217G>A variant with a second SLC7A9 pathogenic frameshift variant in two individuals with cystinuria (internal data). A different nucleotide change that results in the same amino acid change (c.217G>C, p.Gly73Arg) has been reported in ClinVar as pathogenic. This variant is reported in 0.00088% of alleles in individuals of European (non-Finnish) descent in gnomAD. This variant is interpreted as likely pathogenic.

Blueprint Genetics
Classification: Pathogenic for SLC7A9-related disorders. Last evaluated: 2024-10-04. Review status: criteria provided, single submitter. Criteria: ACMG Guidelines, 2015. Collection method: clinical testing. Allele origin: germline. Affected: yes. Observed: 5 variant alleles.

Fulgent Genetics
Classification: Uncertain significance for Cystinuria. Last evaluated: 2024-06-03. Review status: criteria provided, single submitter. Criteria: ACMG Guidelines, 2015. Collection method: clinical testing. Allele origin: germline.

Labcorp Genetics (formerly Invitae), Labcorp
Classification: Likely pathogenic. Last evaluated: 2022-01-22. Review status: criteria provided, single submitter. Criteria: Invitae Variant Classification Sherloc (09022015). Collection method: clinical testing. Allele origin: germline.
Comment: In summary, the currently available evidence indicates that the variant is pathogenic, but additional data are needed to prove that conclusively. Therefore, this variant has been classified as Likely Pathogenic. Algorithms developed to predict the effect of sequence changes on RNA splicing suggest that this variant may create or strengthen a splice site. Algorithms developed to predict the effect of missense changes on protein structure and function (SIFT, PolyPhen-2, Align-GVGD) all suggest that this variant is likely to be disruptive. This missense change has been observed in individual(s) with clinical features of cystinuria (PMID: 23532419; Invitae). This variant is not present in population databases (gnomAD no frequency). This sequence change replaces glycine, which is neutral and non-polar, with arginine, which is basic and polar, at codon 73 of the SLC7A9 protein (p.Gly73Arg).

Literature cited by the submitters: PubMed 23532419 (cited by Labcorp Genetics (formerly Invitae), Labcorp).